The following is an entry in ClinVar:

NC_000011.9:g.(128761617_128781158)_(128791059_?)dup

Genes: KCNJ5 (potassium inwardly rectifying channel subfamily J member 5; plus strand), KCNJ5-AS1 (KCNJ5 antisense RNA 1; minus strand). Cytogenetic location: 11q24.3.
Variant type: Duplication.
Identifiers: ClinVar variation 3902347 (VCV003902347.1).

ClinVar aggregate classification (germline): Uncertain significance (1 of 4 stars; one submission).

Submission:

Women's Health and Genetics/Laboratory Corporation of America, LabCorp
Classification: Uncertain significance. Last evaluated: 2025-05-09. Review status: criteria provided, single submitter. Criteria: LabCorp Variant Classification Summary - May 2015. Collection method: clinical testing. Allele origin: germline.
Comment: Variant summary: The variant involves the duplication of exons 2-3 in the KCNJ5 gene.This duplication includes the entire coding sequence of the gene. As exact breakpoints are unknown, it may extend beyond the annotated region of the gene, to include other flanking genes. A presumed nomenclature of c.(-11+1_-10-1)_(*4433_?)dup has been designated for the purposes of this classification. The variant was absent in 21694 control chromosomes. The available data on variant occurrences in the general population are insufficient to allow any conclusion about variant significance. c.(-11+1_-10-1)_(*4433_?)dup has been observed in individual(s) affected with Arrhythmia. These report(s) do not provide unequivocal conclusions about association of the variant with Arrhythmia. To our knowledge, no experimental evidence demonstrating an impact on protein function has been reported. ClinVar contains an entry for this variant (Variation ID: 1373334). Based on the evidence outlined above, the variant was classified as uncertain significance.